The following is an entry in ClinVar:

ClinVar aggregate classification (germline): Uncertain significance (1 of 4 stars; one submission).

Submission:

Labcorp Genetics (formerly Invitae), Labcorp
Classification: Uncertain significance. Last evaluated: 2022-12-16. Review status: criteria provided, single submitter. Criteria: Invitae Variant Classification Sherloc (09022015). Collection method: clinical testing. Allele origin: germline.
Comment: This variant, c.833_841del, results in the deletion of 3 amino acid(s) of the TNFRSF6B protein (p.Gln278_Leu280del), but otherwise preserves the integrity of the reading frame. This variant is not present in population databases (gnomAD no frequency). This variant has not been reported in the literature in individuals affected with TNFRSF6B-related conditions. Experimental studies and prediction algorithms are not available or were not evaluated, and the functional significance of this variant is currently unknown. In summary, the available evidence is currently insufficient to determine the role of this variant in disease. Therefore, it has been classified as a Variant of Uncertain Significance.

NM_003823.4(TNFRSF6B):c.833_841del (p.Gln278_Leu280del)

Genes: RTEL1-TNFRSF6B (RTEL1-TNFRSF6B readthrough (NMD candidate); plus strand), TNFRSF6B (TNF receptor superfamily member 6b; plus strand). Cytogenetic location: 20q13.33.
Variant type: Deletion.
Coding change: c.833_841del on transcript NM_003823.4 (MANE Select); coding-DNA positions 833 to 841, 9 bases deleted (AGGCGCTGC; older notation c.833_841delAGGCGCTGC).
Protein change: p.Gln278_Leu280del.
Molecular consequence: inframe deletion. On other transcripts: non-coding transcript variant (1).
Genome position (GRCh38, 1-based): chr20:63,698,493-63,698,501, AGGCGCTGC deleted; deleting any 9 consecutive bases within chr20:63,698,488-63,698,501 gives the same sequence; the c. name uses the placement nearest the transcript's 3' end. VCF-style (leftmost placement, unchanged base first): chr20-63698487-TGCTGCAGGC-T. GRCh37 (hg19) VCF-style: chr20-62329840-TGCTGCAGGC-T.
Identifiers: ClinVar variation 2964729 (VCV002964729.3), dbSNP rs2517230160, ClinGen allele CA2577457184.